The following is an entry in ClinVar:

ClinVar aggregate classification (germline): Uncertain significance (1 of 4 stars; one submission).

Conditions:
Elliptocytosis 1 (EL1). Also called: 4.1- TRAIT; 4.1-MINUS TRAIT; PROTEIN 4.1 OF ERYTHROCYTE MEMBRANE, DEFECT OF; ELLIPTOCYTOSIS, RHESUS-LINKED TYPE. Identifiers: Orphanet 288, MedGen C2678497, MONDO:0012731, OMIM 611804.

Submission:

Juno Genomics, Hangzhou Juno Genomics, Inc
Classification: Uncertain significance for Elliptocytosis 1. Review status: criteria provided, single submitter. Criteria: ACMG Guidelines, 2015. Collection method: clinical testing. Allele origin: germline. Affected: yes.
Comment: Absent from controls (or at extremely low frequency if recessive) in Genome Aggregation Database.;Multiple lines of computational evidence support a deleterious effect on the gene or gene product.

NM_001376013.1(EPB41):c.1331G>C (p.Arg444Pro)

Gene: EPB41 (erythrocyte membrane protein band 4.1; plus strand). Cytogenetic location: 1p35.3.
Variant type: single nucleotide variant.
Coding change: c.1331G>C on transcript NM_001376013.1 (MANE Select); coding-DNA position 1331, G replaced by C.
Protein change: p.Arg444Pro; replaces arginine 444 with proline.
Molecular consequence: missense variant.
Genome position (GRCh38, 1-based): chr1:29,033,211, G>C. VCF-style: chr1-29033211-G-C. GRCh37 (hg19) VCF-style: chr1-29359723-G-C.
Other names: c.1331G>C, p.Arg444Pro (NM_001166005.2, NM_001166006.2, NM_001376014.1 and 7 more transcripts); c.704G>C, p.Arg235Pro (NM_001166007.2, NM_001376022.1, NM_001376023.1 and 7 more transcripts); c.1226G>C, p.Arg409Pro (NM_203343.3); short protein forms R235P, R409P, R444P.
Identifiers: ClinVar variation 5019941 (VCV005019941.1).